The following is an entry in ClinVar:

NM_133259.4(LRPPRC):c.1261+1G>C

Gene: LRPPRC (leucine rich pentatricopeptide repeat containing; minus strand). Cytogenetic location: 2p21.
Variant type: single nucleotide variant.
Coding change: c.1261+1G>C on transcript NM_133259.4 (MANE Select); the canonical splice donor site of the intron after coding-DNA position 1261, G replaced by C.
Molecular consequence: splice donor variant.
Genome position (GRCh38, 1-based): chr2:43,973,794, C>G on the plus strand (G>C on the coding strand, the complement: LRPPRC is on the minus strand). VCF-style: chr2-43973794-C-G. GRCh37 (hg19) VCF-style: chr2-44200933-C-G.
Identifiers: ClinVar variation 5006294 (VCV005006294.2).
Genomic context (GRCh38, chr2:43,973,794, plus strand): 5'-AGATCACAAAGCTACCTCAGCAAAACTTCCTTACTTGGCTTTAACTTTAAGAATGTAGTA[C>G]CAGTTTTATTGGCGAGTAAAGCACAATGGAGGGTGAACTGCAGAGGAAAGGAGTGCATCT-3'

ClinVar aggregate classification (germline): Likely pathogenic (1 of 4 stars; one submission).

Conditions:
Congenital lactic acidosis, Saguenay-Lac-Saint-Jean type (MC4DN5). Also called: CYTOCHROME c OXIDASE DEFICIENCY, FRENCH CANADIAN TYPE; COX DEFICIENCY, FRENCH CANADIAN TYPE; MITOCHONDRIAL COMPLEX IV DEFICIENCY, NUCLEAR TYPE 5. Identifiers: Orphanet 70472, MedGen C1857355, MONDO:0009069, OMIM 220111.

Submission:

Juno Genomics, Hangzhou Juno Genomics, Inc
Classification: Likely pathogenic for Congenital lactic acidosis, Saguenay-Lac-Saint-Jean type. Review status: criteria provided, single submitter. Criteria: ACMG Guidelines, 2015. Collection method: clinical testing. Allele origin: germline.
Comment: Null variant in a gene where loss of function (LOF) is a known mechanism of disease.;Absent from controls (or at extremely low frequency if recessive) in Genome Aggregation Database.